The following is an entry in ClinVar:

ClinVar aggregate classification (germline): Pathogenic/Likely pathogenic. Review status: criteria provided, multiple submitters, no conflicts (2 of 4 stars). 2 submissions from 2 submitters: Pathogenic (1); Likely pathogenic (1). Last evaluated 2025-06-17.

Conditions:
Polyglandular autoimmune syndrome, type 1 (APS1). Also called: Autoimmune polyendocrinopathy syndrome, type I; PGA I; Autoimmune polyendocrine syndrome type 1; Autoimmune polyendocrinopathy syndrome , type I, with or without reversible metaphyseal dysplasia; AUTOIMMUNE POLYENDOCRINE SYNDROME, TYPE I, WITH OR WITHOUT REVERSIBLE METAPHYSEAL DYSPLASIA; APS I. Identifiers: Orphanet 3453, MedGen C0085859, MONDO:0009411, OMIM 240300.

Submissions (2):

Massaad Lab, American University of Beirut
Classification: Pathogenic for Polyglandular autoimmune syndrome, type 1. Last evaluated: 2025-06-17. Review status: criteria provided, single submitter. Criteria: ACMG Guidelines, 2015. Collection method: research. Allele origin: germline. Inheritance: Autosomal recessive inheritance. Affected: yes. Observed: 1 homozygote.
Comment: NM_000383.4(AIRE):c.93_94insT (p.Leu32SerfsTer3) is a frameshift variant that creates a premature translational stop signal and is expected to result in an absent or disrupted protein through nonsense-mediated decay. Loss of function is an established mechanism of disease for AIRE in autosomal recessive autoimmune polyendocrinopathy syndrome type 1 (APS-1/APECED). This variant is absent from population databases (gnomAD, 1000 Genomes) and was identified in an individual with a clinical presentation highly specific for APS-1. This variant is classified as Pathogenic.

Genomic Medicine Center of Excellence, King Faisal Specialist Hospital and Research Centre
Classification: Likely pathogenic for Polyglandular autoimmune syndrome, type 1. Last evaluated: 2024-03-26. Review status: criteria provided, single submitter. Criteria: ACMG Guidelines, 2015. Collection method: clinical testing. Allele origin: germline.

NM_000383.4(AIRE):c.93_94insT (p.Leu32fs)

Gene: AIRE (autoimmune regulator; plus strand). Cytogenetic location: 21q22.3.
Variant type: Insertion.
Coding change: c.93_94insT on transcript NM_000383.4 (MANE Select); coding-DNA positions 93 to 94, T inserted.
Protein change: p.Leu32fs; shifts the reading frame from leucine 32.
Molecular consequence: frameshift variant.
Genome position: GRCh38 VCF-style: chr21-44286099-G-GT. GRCh37 (hg19) VCF-style: chr21-45705982-G-GT.
Other names: NP_000374.1:p.Leu32SerfsTer3; short protein forms L32fs.
Identifiers: ClinVar variation 3065212 (VCV003065212.2), dbSNP rs2517875658, ClinGen allele CA2695230251.
Genomic context (GRCh38, chr21:44,286,099, plus strand): 5'-GAGGCTGCACCGCACGGAGATCGCGGTGGCCGTGGACAGCGCCTTCCCACTGCTGCACGC[G>GT]CTGGCTGACCACGACGTGGTCCCCGAGGACAAGTTTCAGGTGGGCTCCCCGCCCGCCCCC-3'